The following is an entry in ClinVar:

NM_001384732.1(CPLANE1):c.8326_8328delinsTTT (p.Glu2776Phe)

Gene: CPLANE1 (ciliogenesis and planar polarity effector complex subunit 1; minus strand). Cytogenetic location: 5p13.2.
Variant type: Indel.
Coding change: c.8326_8328delinsTTT on transcript NM_001384732.1 (MANE Select); coding-DNA positions 8326 to 8328, GAA replaced by TTT.
Protein change: p.Glu2776Phe; replaces glutamic acid 2776 with phenylalanine.
Molecular consequence: missense variant.
Genome position (GRCh38, 1-based): chr5:37,153,785-37,153,787, TTC replaced by AAA on the plus strand (GAA replaced by TTT on the coding strand, the reverse complement: CPLANE1 is on the minus strand). VCF-style: chr5-37153785-TTC-AAA. GRCh37 (hg19) VCF-style: chr5-37153887-TTC-AAA.
Other names: c.8164_8166delGAAinsTTT (NM_023073.3); c.8164_8166delinsTTT, p.Glu2722Phe (NM_023073.4); short protein forms E2722F, E2776F.
Identifiers: ClinVar variation 591878 (VCV000591878.7), dbSNP rs1561422940, ClinGen allele CA891862888.
Genomic context (GRCh38, chr5:37,153,785, plus strand): 5'-ATAAAGGTAGTCTACCTTATCACAATGTAGATCTAGCATTTCAGGCTTGGGGAAATCCTG[TTC>AAA]TATGTTTTCAGCAATGTTCTGTATTGCTAGCAACTGCTCGTCAATTTTCTGAAGCTTAGC-3'
Protein context (NP_001371661.1, residues 2766-2786): LAIQNIAENI[Glu2776Phe]QDFPKPEMLD

ClinVar aggregate classification (germline): Uncertain significance. Review status: criteria provided, multiple submitters, no conflicts (2 of 4 stars). 5 submissions from 5 submitters: Uncertain significance (4). 1 of the submissions does not count toward it. Last evaluated 2023-12-30.

Conditions:
Joubert syndrome 17 (JBTS17). Identifiers: Orphanet 475, MedGen C3553264, MONDO:0013824, OMIM 614615.
Orofaciodigital syndrome type 6 (OFD6). Also called: Oral-facial-digital syndrome type 6; Central polydactyly cleft lip/palate or lingual lump and psychomotor retardation; Y-shaped central metacarpal and cerebellar defect; Joubert syndrome with orofacialdigital anomalies; OROFACIODIGITAL SYNDROME VI; OFDS VI. Identifiers: Orphanet 2754, MedGen C2745997, MONDO:0010176, OMIM 277170.
Inborn genetic diseases. Identifiers: MedGen C0950123, MeSH D030342.

Submissions (5):

Labcorp Genetics (formerly Invitae), Labcorp
Classification: Uncertain significance. Last evaluated: 2023-12-30. Review status: criteria provided, single submitter. Criteria: Invitae Variant Classification Sherloc (09022015). Collection method: clinical testing. Allele origin: germline.
Comment: This sequence change replaces glutamic acid, which is acidic and polar, with phenylalanine, which is neutral and non-polar, at codon 2722 of the CPLANE1 protein (p.Glu2722Phe). Information on the frequency of this variant in the gnomAD database is not available, as this variant may be reported differently in the database. This variant has not been reported in the literature in individuals affected with CPLANE1-related conditions. ClinVar contains an entry for this variant (Variation ID: 591878). An algorithm developed to predict the effect of missense changes on protein structure and function (PolyPhen-2) suggests that this variant is likely to be disruptive. In summary, the available evidence is currently insufficient to determine the role of this variant in disease. Therefore, it has been classified as a Variant of Uncertain Significance.

Women's Health and Genetics/Laboratory Corporation of America, LabCorp
Classification: Uncertain significance. Last evaluated: 2022-10-22. Review status: criteria provided, single submitter. Criteria: LabCorp Variant Classification Summary - May 2015. Collection method: clinical testing. Allele origin: germline.
Comment: Variant summary: CPLANE1 c.8164_8166delinsTTT (p.Glu2722Phe) results in a non-conservative amino acid change in the encoded protein sequence. Three of four in-silico tools predict a damaging effect of the variant on protein function. The variant allele was found at a frequency of 2.1e-05 in 282620 control chromosomes (gnomAD). The available data on variant occurrences in the general population are insufficient to allow any conclusion about variant significance. To our knowledge, no occurrence of c.8164_8166delinsTTT in individuals affected with Joubert Syndrome And Related Disorders and no experimental evidence demonstrating its impact on protein function have been reported. Two ClinVar submitters have assessed the variant since 2014: both classified the variant as uncertain significance. Based on the evidence outlined above, the variant was classified as uncertain significance.

Fulgent Genetics
Classification: Uncertain significance for Orofaciodigital syndrome type 6; Joubert syndrome 17. Last evaluated: 2022-03-15. Review status: criteria provided, single submitter. Criteria: ACMG Guidelines, 2015. Collection method: clinical testing. Allele origin: unknown.

Ambry Genetics
Classification: Uncertain significance for Inborn genetic diseases. Last evaluated: 2022-02-22. Review status: criteria provided, single submitter. Criteria: Ambry Variant Classification Scheme 2023. Collection method: clinical testing. Allele origin: germline.
Comment: The c.8164_8166delGAAinsTTT (p.E2722F) alteration, located in exon 41 (coding exon 40) of the C5orf42 gene, consists of an in-frame substitution of 3 nucleotides from position 8164 to 8166, resulting in the insertion of <NA> residues. Based on insufficient or conflicting evidence, the clinical significance of this alteration remains unclear.

Gharavi Laboratory, Columbia University
Classification: Uncertain significance. Last evaluated: 2018-09-16. Review status: no assertion criteria provided. Criteria: ACMG Guidelines, 2015. Collection method: research. Allele origin: germline. Affected: yes. Not counted in ClinVar's aggregate classification.